The following is an entry in ClinVar:

NM_000152.5(GAA):c.1243_1272del (p.Thr415_Phe424del)

Gene: GAA (alpha glucosidase; plus strand). Cytogenetic location: 17q25.3.
Variant type: Deletion.
Coding change: c.1243_1272del on transcript NM_000152.5 (MANE Select); coding-DNA positions 1243 to 1272, 30 bases deleted (ACGTTCAACAAGGATGGCTTCCGGGACTTC).
Protein change: p.Thr415_Phe424del.
Molecular consequence: inframe deletion.
Genome position (GRCh38, 1-based): chr17:80,108,745-80,108,774, ACGTTCAACAAGGATGGCTTCCGGGACTTC deleted; deleting any 30 consecutive bases within chr17:80,108,737-80,108,774 gives the same sequence; the c. name uses the placement nearest the transcript's 3' end. VCF-style (leftmost placement, unchanged base first): chr17-80108736-AGGGACTTCACGTTCAACAAGGATGGCTTCC-A. GRCh37 (hg19) VCF-style: chr17-78082535-AGGGACTTCACGTTCAACAAGGATGGCTTCC-A.
Other names: c.1243_1272del, p.Thr415_Phe424del (NM_001079803.3, NM_001079804.3, NM_001406741.1 and 1 more transcripts).
Identifiers: ClinVar variation 4876275 (VCV004876275.1).
Genomic context (GRCh38, chr17:80,108,736, plus strand): 5'-GGTCCCGTGTTGTGGCTGCAGGACGTCCAGTGGAACGACCTGGACTACATGGACTCCCGG[AGGGACTTCACGTTCAACAAGGATGGCTTCC>A]GGGACTTCCCGGCCATGGTGCAGGAGCTGCACCAGGGCGGCCGGCGCTACATGATGATCG-3'

ClinVar aggregate classification (germline): Uncertain significance (1 of 4 stars; one submission).

Conditions:
Glycogen storage disease, type II (IOPD). Also called: Pompe Disease; CARDIOMEGALIA GLYCOGENICA DIFFUSA; GLYCOGENOSIS, GENERALIZED, CARDIAC FORM; GSD II; POMPE DISEASE, INFANTILE-ONSET; GLYCOGEN STORAGE DISEASE II, INFANTILE-ONSET. Identifiers: Orphanet 365, MedGen C0017921, MONDO:0009290, OMIM 232300.

Submission:

Genomenon, Inc
Classification: Uncertain significance for Glycogen storage disease, type II. Last evaluated: 2026-07-01. Review status: criteria provided, single submitter. Criteria: Genomenon Sequence Variant Interpretation Standards - Updated. Collection method: curation. Allele origin: germline. Affected: yes.
Comment: GAA p.Thr415_Phe424del (c.1243_1272del) is an in-frame deletion that results in the loss of multiple amino acids, from Threonine at codon 415 to Phenylalanine at codon 424. This variant has been observed in at least one proband with a GAA-related disorder in the compound heterozygous and/or homozygous state (PMID:33301762). It is absent or not present at a significant frequency in gnomAD. In conclusion, we classify GAA p.Thr415_Phe424del (c.1243_1272del) as a variant of uncertain significance.

Literature cited by the submitters: PubMed 33301762.